The following is an entry in ClinVar:

NM_001267550.2(TTN):c.91572A>G (p.Pro30524=)

Genes: TTN (titin; minus strand), TTN-AS1 (TTN antisense RNA 1; plus strand). Cytogenetic location: 2q31.2.
Variant type: single nucleotide variant.
Coding change: c.91572A>G on transcript NM_001267550.2 (MANE Select); coding-DNA position 91572, A replaced by G.
Protein change: p.Pro30524=; no amino-acid change (proline 30524 retained).
Molecular consequence: synonymous variant.
Genome position (GRCh38, 1-based): chr2:178,550,266, T>C on the plus strand (A>G on the coding strand, the complement: TTN is on the minus strand). VCF-style: chr2-178550266-T-C. GRCh37 (hg19) VCF-style: chr2-179414993-T-C.
Other names: c.83868A>G, p.Pro27956= (NM_133378.4); c.64752A>G, p.Pro21584= (NM_133432.3); c.64953A>G, p.Pro21651= (NM_133437.4); c.86649A>G, p.Pro28883= (NM_001256850.1); c.64377A>G, p.Pro21459= (NM_003319.4).
Identifiers: ClinVar variation 192201 (VCV000192201.1), dbSNP rs786205334, ClinGen allele CA200067.

ClinVar aggregate classification (germline): Benign (1 of 4 stars; one submission).

Submission:

Biesecker Lab/Clinical Genomics Section, National Institutes of Health
Classification: Benign. Last evaluated: 2013-06-24. Review status: criteria provided, single submitter. Criteria: Ng et al. (Circ Cardiovasc Genet. 2013). Collection method: research. Allele origin: unknown. Observed: 10 variant alleles. Study: ClinSeq.
Comment: The study set was not selected for affection status in relation to any cancer. Pathogenicity categories were based on literature curation. See Pubmed ID:23861362 for details.

Medical sequencing